The following is an entry in ClinVar:

ClinVar aggregate classification (germline): Uncertain significance (1 of 4 stars; one submission).

Conditions:
Rubinstein-Taybi syndrome due to EP300 haploinsufficiency. Also called: EP300-Related Rubinstein-Taybi Syndrome; RUBINSTEIN-TAYBI SYNDROME 2. Identifiers: Orphanet 353284, Orphanet 783, MedGen C3150941, MONDO:0013364, OMIM 613684.

Submission:

Labcorp Genetics (formerly Invitae), Labcorp
Classification: Uncertain significance for Rubinstein-Taybi syndrome due to EP300 haploinsufficiency. Last evaluated: 2025-08-29. Review status: criteria provided, single submitter. Criteria: Invitae Variant Classification Sherloc (09022015). Collection method: clinical testing. Allele origin: germline.
Comment: This sequence change replaces methionine, which is neutral and non-polar, with threonine, which is neutral and polar, at codon 177 of the EP300 protein (p.Met177Thr). This variant is not present in population databases (gnomAD no frequency). This variant has not been reported in the literature in individuals affected with EP300-related conditions. Invitae Evidence Modeling of protein sequence and biophysical properties (such as structural, functional, and spatial information, amino acid conservation, physicochemical variation, residue mobility, and thermodynamic stability) indicates that this missense variant is not expected to disrupt EP300 protein function with a negative predictive value of 95%. In summary, the available evidence is currently insufficient to determine the role of this variant in disease. Therefore, it has been classified as a Variant of Uncertain Significance.

NM_001429.4(EP300):c.530T>C (p.Met177Thr)

Gene: EP300 (EP300 lysine acetyltransferase; plus strand). Cytogenetic location: 22q13.2.
Variant type: single nucleotide variant.
Coding change: c.530T>C on transcript NM_001429.4 (MANE Select); coding-DNA position 530, T replaced by C.
Protein change: p.Met177Thr; replaces methionine 177 with threonine.
Molecular consequence: missense variant.
Genome position (GRCh38, 1-based): chr22:41,117,622, T>C. VCF-style: chr22-41117622-T-C. GRCh37 (hg19) VCF-style: chr22-41513626-T-C.
Other names: c.530T>C, p.Met177Thr (NM_001362843.2); short protein forms M177T.
Identifiers: ClinVar variation 4803203 (VCV004803203.1).